The following is an entry in ClinVar:

NM_001024845.3(SLC6A9):c.1028C>T (p.Ser343Phe)

Gene: SLC6A9 (solute carrier family 6 member 9; minus strand). Cytogenetic location: 1p34.1.
Variant type: single nucleotide variant.
Coding change: c.1028C>T on transcript NM_001024845.3 (MANE Select); coding-DNA position 1028, C replaced by T.
Protein change: p.Ser343Phe; replaces serine 343 with phenylalanine.
Molecular consequence: missense variant. On other transcripts: non-coding transcript variant (1).
Genome position (GRCh38, 1-based): chr1:44,001,562, G>A on the plus strand (C>T on the coding strand, the complement: SLC6A9 is on the minus strand). VCF-style: chr1-44001562-G-A. GRCh37 (hg19) VCF-style: chr1-44467234-G-A.
Other names: c.1040C>T, p.Ser347Phe (NM_001261380.2); c.695C>T, p.Ser232Phe (NM_001328626.2, NM_001328630.2); c.965C>T, p.Ser322Phe (NM_001328627.1); c.833C>T, p.Ser278Phe (NM_001328628.1); c.1028C>T, p.Ser343Phe (NM_001328629.1); c.1085C>T, p.Ser362Phe (NM_006934.4); c.1247C>T, p.Ser416Phe (NM_201649.4); c.1247C>T (NM_201649.2); short protein forms S278F, S343F, S362F, S232F, S322F, S347F, S416F.
Identifiers: ClinVar variation 2079828 (VCV002079828.5), dbSNP rs1278286264, ClinGen allele CA340068879.

ClinVar aggregate classification (germline): Uncertain significance. Review status: criteria provided, multiple submitters, no conflicts (2 of 4 stars). 2 submissions from 2 submitters: Uncertain significance (2). Last evaluated 2025-12-02.

Conditions:
Atypical glycine encephalopathy. Also called: Glycine encephalopathy with normal serum glycine. Identifiers: Orphanet 289863, MedGen C4310943, MONDO:0015010, OMIM 617301.
Inborn genetic diseases. Identifiers: MedGen C0950123, MeSH D030342.

Allele frequency attached by ClinVar (database versions not stated): gnomAD exomes below 0.00001.
gnomAD v4.1: 3 of 1,614,282 alleles (0.00019%); highest among the groups gnomAD compares: East Asian, 0.0022%; no homozygotes.

Submissions (2):

Ambry Genetics
Classification: Uncertain significance for Inborn genetic diseases. Last evaluated: 2025-12-02. Review status: criteria provided, single submitter. Criteria: Ambry Variant Classification Scheme 2023. Collection method: clinical testing. Allele origin: germline.

Labcorp Genetics (formerly Invitae), Labcorp
Classification: Uncertain significance for Atypical glycine encephalopathy. Last evaluated: 2022-04-22. Review status: criteria provided, single submitter. Criteria: Invitae Variant Classification Sherloc (09022015). Collection method: clinical testing. Allele origin: germline.
Comment: This sequence change replaces serine, which is neutral and polar, with phenylalanine, which is neutral and non-polar, at codon 416 of the SLC6A9 protein (p.Ser416Phe). This variant is present in population databases (no rsID available, gnomAD 0.006%). This variant has not been reported in the literature in individuals affected with SLC6A9-related conditions. Algorithms developed to predict the effect of missense changes on protein structure and function (SIFT, PolyPhen-2, Align-GVGD) all suggest that this variant is likely to be disruptive. In summary, the available evidence is currently insufficient to determine the role of this variant in disease. Therefore, it has been classified as a Variant of Uncertain Significance.